The following is an entry in ClinVar:

ClinVar aggregate classification (germline): Uncertain significance (1 of 4 stars; one submission).

Submission:

Labcorp Genetics (formerly Invitae), Labcorp
Classification: Uncertain significance. Last evaluated: 2022-02-09. Review status: criteria provided, single submitter. Criteria: Invitae Variant Classification Sherloc (09022015). Collection method: clinical testing. Allele origin: germline.
Comment: In summary, the available evidence is currently insufficient to determine the role of this variant in disease. Therefore, it has been classified as a Variant of Uncertain Significance. This sequence change replaces aspartic acid, which is acidic and polar, with tyrosine, which is neutral and polar, at codon 100 of the ACO2 protein (p.Asp100Tyr). This variant is not present in population databases (gnomAD no frequency). This variant has not been reported in the literature in individuals affected with ACO2-related conditions. Advanced modeling of protein sequence and biophysical properties (such as structural, functional, and spatial information, amino acid conservation, physicochemical variation, residue mobility, and thermodynamic stability) performed at Invitae indicates that this missense variant is expected to disrupt ACO2 protein function. Algorithms developed to predict the effect of sequence changes on RNA splicing suggest that this variant may create or strengthen a splice site.

NM_001098.3(ACO2):c.298G>T (p.Asp100Tyr)

Gene: ACO2 (aconitase 2; plus strand). Cytogenetic location: 22q13.2.
Variant type: single nucleotide variant.
Coding change: c.298G>T on transcript NM_001098.3 (MANE Select); coding-DNA position 298, G replaced by T.
Protein change: p.Asp100Tyr; replaces aspartic acid 100 with tyrosine.
Molecular consequence: missense variant.
Genome position (GRCh38, 1-based): chr22:41,507,915, G>T. VCF-style: chr22-41507915-G-T. GRCh37 (hg19) VCF-style: chr22-41903919-G-T.
Other names: short protein forms D100Y.
Identifiers: ClinVar variation 1514400 (VCV001514400.6), dbSNP rs2066406193, ClinGen allele CA411713478.
Genomic context (GRCh38, chr22:41,507,915, plus strand): 5'-CAGGAAATTGAGCGAGGCAAGTCGTACCTGCGGCTGCGGCCGGACCGTGTGGCCATGCAG[G>T]ATGCGACGGCCCAGATGGCCATGCTCCAGTTCATCAGCAGCGGGCTGTCCAAGGTGGCTG-3'
Protein context (NP_001089.1, residues 90-110): RLRPDRVAMQ[Asp100Tyr]ATAQMAMLQF